The following is an entry in ClinVar:

ClinVar aggregate classification (germline): Benign/Likely benign. Review status: criteria provided, multiple submitters, no conflicts (2 of 4 stars). 10 submissions from 10 submitters: Benign (7); Likely benign (3). Last evaluated 2026-07-16.

Conditions:
Coffin-Siris syndrome. Identifiers: Orphanet 1465, MedGen C0265338, MONDO:0015452.
Hereditary cancer-predisposing syndrome. Also called: Hereditary Cancer Syndrome; Tumor predisposition; Hereditary neoplastic syndrome; Neoplastic Syndromes, Hereditary. Identifiers: Orphanet 140162, MedGen C0027672, MeSH D009386, MONDO:0015356.
Intellectual disability, autosomal dominant 16 (CSS4). Also called: COFFIN-SIRIS SYNDROME 4. Identifiers: Orphanet 1465, MedGen C3553249, MONDO:0013821, OMIM 614609.
Rhabdoid tumor predisposition syndrome 2 (RTPS2). Identifiers: Orphanet 231108, Orphanet 69077, MedGen C2750074, MONDO:0013224, OMIM 613325.

Allele frequency attached by ClinVar (database versions not stated): 1000 Genomes Project 0.00280; gnomAD 0.00462 and 0.00426; ESP Exome Variant Server 0.00531; ExAC 0.00129; 1000 Genomes Project 30x 0.00390; TOPMed 0.00478.
gnomAD v4.1: 1,331 of 1,612,222 alleles (0.083%); highest among the groups gnomAD compares: African/African-American, 1.6%; 11 homozygotes.

Submissions (10):

Myriad Genetics, Inc.
Classification: Benign for Rhabdoid tumor predisposition syndrome 2. Last evaluated: 2026-07-16. Review status: criteria provided, single submitter. Criteria: Myriad Autosomal Dominant, Autosomal Recessive and X-Linked Classification Criteria (2023). Collection method: clinical testing. Allele origin: unknown.
Comment: This variant is considered benign. This variant is a silent/synonymous amino acid change and it is not expected to impact splicing.

Labcorp Genetics (formerly Invitae), Labcorp
Classification: Benign for Rhabdoid tumor predisposition syndrome 2. Last evaluated: 2026-02-02. Review status: criteria provided, single submitter. Criteria: Invitae Variant Classification Sherloc (09022015). Collection method: clinical testing. Allele origin: germline.

Quest Diagnostics Nichols Institute San Juan Capistrano
Classification: Benign. Last evaluated: 2025-08-19. Review status: criteria provided, single submitter. Criteria: Quest Diagnostics criteria. Collection method: clinical testing. Allele origin: unknown.

Blueprint Genetics
Classification: Likely benign. Last evaluated: 2024-11-13. Review status: criteria provided, single submitter. Criteria: ACMG Guidelines, 2015. Collection method: clinical testing. Allele origin: germline.

CeGaT Center for Human Genetics Tuebingen
Classification: Benign. Last evaluated: 2024-07-01. Review status: criteria provided, single submitter. Criteria: CeGaT Center For Human Genetics Tuebingen Variant Classification Criteria Version 2. Collection method: clinical testing. Allele origin: germline. Affected: yes. Observed: 2 variant alleles.
Comment: SMARCA4: BP4, BP7, BS1, BS2

Fulgent Genetics
Classification: Likely benign for Rhabdoid tumor predisposition syndrome 2; Intellectual disability, autosomal dominant 16. Last evaluated: 2022-05-11. Review status: criteria provided, single submitter. Criteria: ACMG Guidelines, 2015. Collection method: clinical testing. Allele origin: unknown.

Genome-Nilou Lab
Classification: Benign for Intellectual disability, autosomal dominant 16. Last evaluated: 2021-07-15. Review status: criteria provided, single submitter. Criteria: ACMG Guidelines, 2015. Collection method: clinical testing. Allele origin: germline. Affected: no.

GeneDx
Classification: Likely benign. Last evaluated: 2021-02-24. Review status: criteria provided, single submitter. Criteria: GeneDx Variant Classification Process June 2021. Collection method: clinical testing. Allele origin: germline. Affected: yes.

Illumina Laboratory Services, Illumina
Classification: Benign for Coffin-Siris syndrome. Last evaluated: 2018-01-13. Review status: criteria provided, single submitter. Criteria: ICSL Variant Classification Criteria 13 December 2019. Collection method: clinical testing. Allele origin: germline.
Comment: This variant was observed in the ICSL laboratory as part of a predisposition screen in an ostensibly healthy population. It had not been previously curated by ICSL or reported in the Human Gene Mutation Database (HGMD: prior to June 1st, 2018), and was therefore a candidate for classification through an automated scoring system. Utilizing variant allele frequency, disease prevalence and penetrance estimates, and inheritance mode, an automated score was calculated to assess if this variant is too frequent to cause the disease. Based on the score and internal cut-off values, a variant classified as benign is not then subjected to further curation. The score for this variant resulted in a classification of benign for this disease.

Ambry Genetics
Classification: Benign for Hereditary cancer-predisposing syndrome. Last evaluated: 2015-05-20. Review status: criteria provided, single submitter. Criteria: Ambry Variant Classification Scheme 2023. Collection method: clinical testing. Allele origin: germline.

NM_003072.5(SMARCA4):c.4272G>A (p.Pro1424=)

Gene: SMARCA4 (SWI/SNF related BAF chromatin remodeling complex subunit ATPase 4; plus strand). Cytogenetic location: 19p13.2.
Variant type: single nucleotide variant.
Coding change: c.4272G>A on transcript NM_003072.5 (MANE Select); coding-DNA position 4272, G replaced by A.
Protein change: p.Pro1424=; no amino-acid change (proline 1424 retained).
Molecular consequence: synonymous variant. On other transcripts: non-coding transcript variant (1).
Genome position (GRCh38, 1-based): chr19:11,041,408, G>A. VCF-style: chr19-11041408-G-A. GRCh37 (hg19) VCF-style: chr19-11152084-G-A.
Other names: c.4368G>A (NM_001128849.2); c.4182G>A, p.Pro1394= (NM_001128846.2, NM_001128845.2); c.4173G>A, p.Pro1391= (NM_001128847.4, NM_001128848.2, NM_001374457.1); c.4368G>A, p.Pro1456= (NM_001128849.3, NM_001387283.1); c.4272G>A, p.Pro1424= (NM_001128844.3).
Identifiers: ClinVar variation 221084 (VCV000221084.85), dbSNP rs114882905, ClinGen allele CA350591.